The following is an entry in ClinVar:

NM_015340.4(LARS2):c.1240-7C>T

Genes: LARS2 (leucyl-tRNA synthetase 2, mitochondrial; plus strand), LARS2-AS1 (LARS2 antisense RNA 1; minus strand). Cytogenetic location: 3p21.31.
Variant type: single nucleotide variant.
Coding change: c.1240-7C>T on transcript NM_015340.4 (MANE Select); 7 bases into the intron before coding-DNA position 1240, C replaced by T.
Molecular consequence: intron variant.
Genome position (GRCh38, 1-based): chr3:45,491,510, C>T. VCF-style: chr3-45491510-C-T. GRCh37 (hg19) VCF-style: chr3-45533002-C-T.
Other names: c.1240-7C>T (NM_001368263.1, NM_015340.3).
Identifiers: ClinVar variation 2171209 (VCV002171209.6), dbSNP rs201265108, ClinGen allele CA73591949.
Genomic context (GRCh38, chr3:45,491,510, plus strand): 5'-TGGCAGCATCAGGGTGGTGACTGGTGCTATGCGGAGAGGAGTGAGCTTTCTTTTCTTTCC[C>T]TGTCAGTTCACAGGTATGACCCGGCAGGATGCTTTTCTAGCCCTGACTCAGAAAGCCCGG-3'

ClinVar aggregate classification (germline): Likely benign. Review status: criteria provided, single submitter (1 of 4 stars). 2 submissions from 2 submitters: Likely benign (1). 1 of the submissions does not count toward it. Last evaluated 2023-05-30.

Conditions:
LARS2-related disorder. Also called: LARS2-related condition.

Allele frequency attached by ClinVar (database versions not stated): gnomAD 0.00003; TOPMed 0.00003; gnomAD exomes 0.00006; ESP Exome Variant Server 0.00008.
gnomAD v4.1: 88 of 1,612,546 alleles (0.0055%); highest among the groups gnomAD compares: Non-Finnish European, 0.0071%; no homozygotes.

Submissions (2):

Labcorp Genetics (formerly Invitae), Labcorp
Classification: Likely benign. Last evaluated: 2023-05-30. Review status: criteria provided, single submitter. Criteria: Invitae Variant Classification Sherloc (09022015). Collection method: clinical testing. Allele origin: germline.

PreventionGenetics, part of Exact Sciences
Classification: Likely benign for LARS2-related condition. Last evaluated: 2020-11-16. Review status: no assertion criteria provided. Collection method: clinical testing. Allele origin: germline. Not counted in ClinVar's aggregate classification.
Comment: This variant is classified as likely benign based on ACMG/AMP sequence variant interpretation guidelines (Richards et al. 2015 PMID: 25741868, with internal and published modifications).